The following is an entry in ClinVar:

NM_005461.5(MAFB):c.811A>T (p.Thr271Ser)

Gene: MAFB (MAF bZIP transcription factor B; minus strand). Cytogenetic location: 20q12.
Variant type: single nucleotide variant.
Coding change: c.811A>T on transcript NM_005461.5 (MANE Select); coding-DNA position 811, A replaced by T.
Protein change: p.Thr271Ser; replaces threonine 271 with serine.
Molecular consequence: missense variant.
Genome position (GRCh38, 1-based): chr20:40,688,040, T>A on the plus strand (A>T on the coding strand, the complement: MAFB is on the minus strand). VCF-style: chr20-40688040-T-A. GRCh37 (hg19) VCF-style: chr20-39316680-T-A.
Other names: short protein forms T271S.
Identifiers: ClinVar variation 3672292 (VCV003672292.2).

ClinVar aggregate classification (germline): Uncertain significance (1 of 4 stars; one submission).

Submission:

Labcorp Genetics (formerly Invitae), Labcorp
Classification: Uncertain significance. Last evaluated: 2025-05-27. Review status: criteria provided, single submitter. Criteria: Invitae Variant Classification Sherloc (09022015). Collection method: clinical testing. Allele origin: germline.
Comment: This sequence change replaces threonine, which is neutral and polar, with serine, which is neutral and polar, at codon 271 of the MAFB protein (p.Thr271Ser). This variant is not present in population databases (gnomAD no frequency). This variant has not been reported in the literature in individuals affected with MAFB-related conditions. ClinVar contains an entry for this variant (Variation ID: 3672292). Invitae Evidence Modeling of protein sequence and biophysical properties (such as structural, functional, and spatial information, amino acid conservation, physicochemical variation, residue mobility, and thermodynamic stability) indicates that this missense variant is not expected to disrupt MAFB protein function with a negative predictive value of 95%. In summary, the available evidence is currently insufficient to determine the role of this variant in disease. Therefore, it has been classified as a Variant of Uncertain Significance.